The following is an entry in ClinVar:

ClinVar aggregate classification (germline): Uncertain significance. Review status: criteria provided, multiple submitters, no conflicts (2 of 4 stars). 3 submissions from 3 submitters: Uncertain significance (3). Last evaluated 2023-12-23.

Conditions:
Rauch-Steindl syndrome (RAUST). Identifiers: Orphanet 659642, MedGen C5562061, MONDO:0859219, OMIM 619695.

Allele frequency attached by ClinVar (database versions not stated): gnomAD exomes below 0.00001.
gnomAD v4.1: 1 of 1,554,860 alleles (0.000064%); highest among the groups gnomAD compares: Non-Finnish European, 0.000087%; no homozygotes.

Submissions (3):

GeneDx
Classification: Uncertain significance. Last evaluated: 2023-12-23. Review status: criteria provided, single submitter. Criteria: GeneDx Variant Classification Process June 2021. Collection method: clinical testing. Allele origin: germline. Affected: yes.
Comment: Not observed at significant frequency in large population cohorts (gnomAD); In silico analysis supports that this missense variant does not alter protein structure/function; Has not been previously published as pathogenic or benign to our knowledge

Laboratorio de Genetica e Diagnostico Molecular, Hospital Israelita Albert Einstein
Classification: Uncertain significance for Rauch-Steindl syndrome. Last evaluated: 2023-07-27. Review status: criteria provided, single submitter. Criteria: ACMG Guidelines, 2015. Collection method: clinical testing. Allele origin: germline. Affected: yes.
Comment: ACMG classification criteria: PM2 moderate, PP2 supporting, BP4 supporting

Labcorp Genetics (formerly Invitae), Labcorp
Classification: Uncertain significance. Last evaluated: 2022-07-24. Review status: criteria provided, single submitter. Criteria: Invitae Variant Classification Sherloc (09022015). Collection method: clinical testing. Allele origin: germline.
Comment: Algorithms developed to predict the effect of missense changes on protein structure and function are either unavailable or do not agree on the potential impact of this missense change (SIFT: "Deleterious"; PolyPhen-2: "Not Available"; Align-GVGD: "Class C15"). This variant has not been reported in the literature in individuals affected with WHSC1-related conditions. This variant is not present in population databases (gnomAD no frequency). This sequence change replaces glutamic acid, which is acidic and polar, with lysine, which is basic and polar, at codon 1363 of the WHSC1 protein (p.Glu1363Lys). In summary, the available evidence is currently insufficient to determine the role of this variant in disease. Therefore, it has been classified as a Variant of Uncertain Significance.

NM_001042424.3(NSD2):c.4087G>A (p.Glu1363Lys)

Gene: NSD2 (nuclear receptor binding SET domain protein 2; plus strand). Cytogenetic location: 4p16.3.
Variant type: single nucleotide variant.
Coding change: c.4087G>A on transcript NM_001042424.3 (MANE Select); coding-DNA position 4087, G replaced by A.
Protein change: p.Glu1363Lys; replaces glutamic acid 1363 with lysine.
Molecular consequence: missense variant.
Genome position (GRCh38, 1-based): chr4:1,978,898, G>A. VCF-style: chr4-1978898-G-A. GRCh37 (hg19) VCF-style: chr4-1980625-G-A.
Other names: c.4087G>A, p.Glu1363Lys (NM_133330.3, NM_133331.3, NM_133335.4); c.4087G>A (NM_133330.2); short protein forms E1363K.
Identifiers: ClinVar variation 2019384 (VCV002019384.6), dbSNP rs1031862279, ClinGen allele CA91300146.
Genomic context (GRCh38, chr4:1,978,898, plus strand): 5'-CCAGAGCCAGGGAAGCCGAAGGGGAAGAGGCGGCGGCGGAGGGGCTGGCGGAGAGTCACA[G>A]AGGGCAAATAGCGCCAGGCGGCCGCTTGGCCGGATCCAGGGGCGGTGCAGGGCGGCCGGC-3'
Protein context (NP_001035889.1, residues 1353-1365): RRRRGWRRVT[Glu1363Lys]GK